The following is an entry in ClinVar:

ClinVar aggregate classification (germline): Conflicting classifications of pathogenicity. Review status: criteria provided, conflicting classifications (1 of 4 stars). 5 submissions from 5 submitters: Uncertain significance (3); Benign (1); Likely benign (1). Last evaluated 2026-03-28.

Conditions:
IMPG1-related disorder. Also called: IMPG1-related condition.
Retinal dystrophy. Also called: Inherited retinal dystrophy. Identifiers: Orphanet 71862, MedGen C0854723, MeSH D058499, MONDO:0019118, HP:0000556.

Allele frequency attached by ClinVar (database versions not stated): 1000 Genomes Project 30x 0.00016; 1000 Genomes Project 0.00020; TOPMed 0.00020; ESP Exome Variant Server 0.00031.
gnomAD v4.1: 157 of 1,614,070 alleles (0.0097%); highest among the groups gnomAD compares: African/African-American, 0.043%; 1 homozygote.

Submissions (5):

PreventionGenetics, part of Exact Sciences
Classification: Uncertain significance for IMPG1-related condition. Last evaluated: 2026-03-28. Review status: criteria provided, single submitter. Criteria: ACMG Guidelines, 2015. Collection method: clinical testing. Allele origin: germline.
Comment: The IMPG1 c.1016C>A variant is predicted to result in the amino acid substitution p.Thr339Asn. To our knowledge, this variant has not been reported in the literature. This variant is reported in 0.056% of alleles in individuals of African descent in gnomAD, which may be too frequent to be a primary cause of disease. Although we suspect that this variant may be benign, at this time, the clinical significance of this variant is uncertain due to the absence of conclusive functional and genetic evidence.

Labcorp Genetics (formerly Invitae), Labcorp
Classification: Uncertain significance. Last evaluated: 2026-02-01. Review status: criteria provided, single submitter. Criteria: Invitae Variant Classification Sherloc (09022015). Collection method: clinical testing. Allele origin: germline.
Comment: This sequence change replaces threonine, which is neutral and polar, with asparagine, which is neutral and polar, at codon 339 of the IMPG1 protein (p.Thr339Asn). This variant is present in population databases (rs112474181, gnomAD 0.05%). This variant has not been reported in the literature in individuals affected with IMPG1-related conditions. ClinVar contains an entry for this variant (Variation ID: 866895). An algorithm developed to predict the effect of missense changes on protein structure and function (PolyPhen-2) suggests that this variant is likely to be disruptive. In summary, the available evidence is currently insufficient to determine the role of this variant in disease. Therefore, it has been classified as a Variant of Uncertain Significance.

Ambry Genetics
Classification: Uncertain significance. Last evaluated: 2024-02-05. Review status: criteria provided, single submitter. Criteria: Ambry Variant Classification Scheme 2023. Collection method: clinical testing. Allele origin: germline.

Blueprint Genetics
Classification: Likely benign. Last evaluated: 2023-12-19. Review status: criteria provided, single submitter. Criteria: ACMG Guidelines, 2015. Collection method: clinical testing. Allele origin: germline.

Dept Of Ophthalmology, Nagoya University
Classification: Benign for Retinal dystrophy. Last evaluated: 2023-10-01. Review status: criteria provided, single submitter. Criteria: Submitter's publication. Collection method: research. Allele origin: germline. Affected: yes.

NM_001563.4(IMPG1):c.1016C>A (p.Thr339Asn)

Gene: IMPG1 (interphotoreceptor matrix proteoglycan 1; minus strand). Cytogenetic location: 6q14.1.
Variant type: single nucleotide variant.
Coding change: c.1016C>A on transcript NM_001563.4 (MANE Select); coding-DNA position 1016, C replaced by A.
Protein change: p.Thr339Asn; replaces threonine 339 with asparagine.
Molecular consequence: missense variant.
Genome position (GRCh38, 1-based): chr6:76,005,406, G>T on the plus strand (C>A on the coding strand, the complement: IMPG1 is on the minus strand). VCF-style: chr6-76005406-G-T. GRCh37 (hg19) VCF-style: chr6-76715123-G-T.
Other names: c.782C>A, p.Thr261Asn (NM_001282368.2); short protein forms T261N, T339N.
Identifiers: ClinVar variation 866895 (VCV000866895.15), dbSNP rs112474181, ClinGen allele CA3898244.